The following is an entry in ClinVar:

ClinVar aggregate classification (germline): Likely pathogenic (1 of 4 stars; one submission).

Conditions:
Biotinidase deficiency. Also called: BTD deficiency; Late-onset biotin-responsive multiple carboxylase deficiency; Biotin deficiency. Identifiers: Orphanet 79241, MedGen C0220754, MONDO:0009665, OMIM 253260.

Submission:

Natera, Inc.
Classification: Likely pathogenic for Biotinidase deficiency. Last evaluated: 2025-11-12. Review status: criteria provided, single submitter. Criteria: Natera Variant Classification Schema (03/2026). Collection method: clinical testing. Allele origin: germline.
Comment: The c.594_596delCGT variant in BTD is an in-frame deletion predicted to remove valine at amino acid 199 while preserving the reading frame. This variant is rare in the general population with a frequency below the threshold expected for the associated phenotype(s). This variant has been observed in one or more individuals affected with the associated recessive disease, as either homozygous or compound heterozygous with a second variant (PMID: 9396567, 25174816, 35195902, 38299772, 39582447). This variant has been identified in one or more affected individual with a phenotype highly consistent with the associated gene (PMID: 39582447, 9396567, 25174816, 35195902, 38299772). This variant results in a change to the protein length while preserving reading frame, which may disrupt normal protein structure or function. Given the available evidence, this variant is classified as Likely Pathogenic.

Literature cited by the submitters: PubMed 9396567; PubMed 25174816; PubMed 35195902; PubMed 38299772; PubMed 39582447.

NM_000060.4:c.594_596delCGT

Variant type: Deletion.
Other names: c.594_596delCGT (NM_000060.4).
Identifiers: ClinVar variation 4816029 (VCV004816029.1).